The following is an entry in ClinVar:

NM_021930.6(RINT1):c.1840G>C (p.Val614Leu)

Gene: RINT1 (RAD50 interactor 1; plus strand). Cytogenetic location: 7q22.3.
Variant type: single nucleotide variant.
Coding change: c.1840G>C on transcript NM_021930.6 (MANE Select); coding-DNA position 1840, G replaced by C.
Protein change: p.Val614Leu; replaces valine 614 with leucine.
Molecular consequence: missense variant. On other transcripts: non-coding transcript variant (1).
Genome position (GRCh38, 1-based): chr7:105,563,901, G>C. VCF-style: chr7-105563901-G-C. GRCh37 (hg19) VCF-style: chr7-105204348-G-C.
Other names: c.1606G>C, p.Val536Leu (NM_001346599.2); c.817G>C, p.Val273Leu (NM_001346600.2, NM_001346603.2); c.916G>C, p.Val306Leu (NM_001346601.2); short protein forms V614L, V306L, V273L, V536L.
Identifiers: ClinVar variation 3433582 (VCV003433582.1).

ClinVar aggregate classification (germline): Uncertain significance (1 of 4 stars; one submission).

gnomAD v4.1: 2 of 1,614,030 alleles (0.00012%); highest among the groups gnomAD compares: Non-Finnish European, 0.00017%; no homozygotes.

Submission:

Ambry Genetics
Classification: Uncertain significance. Last evaluated: 2024-07-02. Review status: criteria provided, single submitter. Criteria: Ambry Variant Classification Scheme 2023. Collection method: clinical testing. Allele origin: germline.
Comment: The p.V614L variant (also known as c.1840G>C), located in coding exon 12 of the RINT1 gene, results from a G to C substitution at nucleotide position 1840. The valine at codon 614 is replaced by leucine, an amino acid with highly similar properties. This amino acid position is conserved. In addition, this alteration is predicted to be tolerated by in silico analysis. Based on the available evidence, the clinical significance of this variant remains unclear.